The following is an entry in ClinVar:

NM_006397.3(RNASEH2A):c.34G>A (p.Gly12Ser)

Genes: RNASEH2A (ribonuclease H2 subunit A; plus strand), LOC117038795 (CRISPRi-FlowFISH-validated PRDX2 regulatory element 4; plus strand). Cytogenetic location: 19p13.13.
Variant type: single nucleotide variant.
Coding change: c.34G>A on transcript NM_006397.3 (MANE Select); coding-DNA position 34, G replaced by A.
Protein change: p.Gly12Ser; replaces glycine 12 with serine.
Molecular consequence: missense variant.
Genome position (GRCh38, 1-based): chr19:12,806,707, G>A. VCF-style: chr19-12806707-G-A. GRCh37 (hg19) VCF-style: chr19-12917521-G-A.
Other names: short protein forms G12S.
Identifiers: ClinVar variation 1470086 (VCV001470086.5), dbSNP rs779298565, ClinGen allele CA9231710.

ClinVar aggregate classification (germline): Uncertain significance (1 of 4 stars; one submission).

Conditions:
Aicardi-Goutieres syndrome 4. Identifiers: Orphanet 51, MedGen C1835912, MONDO:0012472, OMIM 610333.

Allele frequency attached by ClinVar (database versions not stated): gnomAD exomes below 0.00001 and 0.00001; gnomAD 0.00001; TOPMed 0.00003; ExAC 0.00004.
gnomAD v4.1: 4 of 1,570,122 alleles (0.00025%); highest among the groups gnomAD compares: African/African-American, 0.0054%; no homozygotes.

Submission:

Labcorp Genetics (formerly Invitae), Labcorp
Classification: Uncertain significance for Aicardi-Goutieres syndrome 4. Last evaluated: 2022-06-20. Review status: criteria provided, single submitter. Criteria: Invitae Variant Classification Sherloc (09022015). Collection method: clinical testing. Allele origin: germline.
Comment: This sequence change replaces glycine, which is neutral and non-polar, with serine, which is neutral and polar, at codon 12 of the RNASEH2A protein (p.Gly12Ser). The frequency data for this variant in the population databases is considered unreliable, as metrics indicate poor data quality at this position in the gnomAD database. This variant has not been reported in the literature in individuals affected with RNASEH2A-related conditions. Algorithms developed to predict the effect of missense changes on protein structure and function (SIFT, PolyPhen-2, Align-GVGD) all suggest that this variant is likely to be tolerated. In summary, the available evidence is currently insufficient to determine the role of this variant in disease. Therefore, it has been classified as a Variant of Uncertain Significance.